The following is an entry in ClinVar:

NM_002641.4(PIGA):c.404C>T (p.Ala135Val)

Gene: PIGA (phosphatidylinositol glycan anchor biosynthesis class A; minus strand). Cytogenetic location: Xp22.2.
Variant type: single nucleotide variant.
Coding change: c.404C>T on transcript NM_002641.4 (MANE Select); coding-DNA position 404, C replaced by T.
Protein change: p.Ala135Val; replaces alanine 135 with valine.
Molecular consequence: missense variant. On other transcripts: intron variant (2).
Genome position (GRCh38, 1-based): chrX:15,331,527, G>A on the plus strand (C>T on the coding strand, the complement: PIGA is on the minus strand). VCF-style: chrX-15331527-G-A. GRCh37 (hg19) VCF-style: chrX-15349649-G-A.
Other names: c.13+3974C>T (NM_020473.3); c.14-3214C>T (NM_001440790.1); c.404C>T, p.Ala135Val (NM_001440789.1); short protein forms A135V.
Identifiers: ClinVar variation 5018449 (VCV005018449.1).

ClinVar aggregate classification (germline): Pathogenic (1 of 4 stars; one submission).

Submission:

GeneDx
Classification: Pathogenic. Last evaluated: 2026-03-24. Review status: criteria provided, single submitter. Criteria: GeneDx Variant Classification Process June 2021. Collection method: clinical testing. Allele origin: germline.
Comment: Not observed at significant frequency in large population cohorts (gnomAD); In silico analysis supports that this missense variant has a deleterious effect on protein structure/function; This variant is associated with the following publications: (PMID: 27864847, 36862522, 31618474, 32452540)